The following is an entry in ClinVar:

ClinVar aggregate classification (germline): Benign/Likely benign. Review status: criteria provided, multiple submitters, no conflicts (2 of 4 stars). 3 submissions from 3 submitters: Benign (1); Likely benign (2). Last evaluated 2025-10-05.

Conditions:
Familial cancer of breast. Also called: Hereditary breast cancer; BREAST CANCER, FAMILIAL; hereditary breast carcinoma. Identifiers: Orphanet 227535, MedGen C0346153, MONDO:0016419, OMIM 114480. Disease mechanism: loss of function.
Hereditary cancer-predisposing syndrome. Also called: Tumor predisposition; Hereditary Cancer Syndrome; Neoplastic Syndromes, Hereditary; Hereditary neoplastic syndrome. Identifiers: Orphanet 140162, MedGen C0027672, MeSH D009386, MONDO:0015356.
Ataxia-telangiectasia syndrome (AT). Also called: Ataxia telangiectasia (A-T); Cerebello-oculocutaneous telangiectasia; Immunodeficiency with ataxia telangiectasia; LOUIS-BAR SYNDROME; ATAXIA-TELANGIECTASIA, FRESNO VARIANT; Ataxia-telangiectasia, complementation group D. Identifiers: Orphanet 100, MedGen C0004135, MONDO:0008840, OMIM 208900.

Submissions (3):

Labcorp Genetics (formerly Invitae), Labcorp
Classification: Likely benign for Ataxia-telangiectasia syndrome. Last evaluated: 2025-10-05. Review status: criteria provided, single submitter. Criteria: Invitae Variant Classification Sherloc (09022015). Collection method: clinical testing. Allele origin: germline.

Myriad Genetics, Inc.
Classification: Benign for Familial cancer of breast. Last evaluated: 2024-04-19. Review status: criteria provided, single submitter. Criteria: Myriad Autosomal Dominant, Autosomal Recessive and X-Linked Classification Criteria (2023). Collection method: clinical testing. Allele origin: unknown.
Comment: This variant is considered benign. This variant is a silent/synonymous amino acid change and it is not expected to impact splicing.

Ambry Genetics
Classification: Likely benign for Hereditary cancer-predisposing syndrome. Last evaluated: 2023-08-31. Review status: criteria provided, single submitter. Criteria: Ambry Variant Classification Scheme 2023. Collection method: clinical testing. Allele origin: germline.

NM_000051.4(ATM):c.438C>G (p.Leu146=)

Gene: ATM (ATM serine/threonine kinase; plus strand). Cytogenetic location: 11q22.3.
Variant type: single nucleotide variant.
Coding change: c.438C>G on transcript NM_000051.4 (MANE Select); coding-DNA position 438, C replaced by G.
Protein change: p.Leu146=; no amino-acid change (leucine 146 retained).
Molecular consequence: synonymous variant.
Genome position (GRCh38, 1-based): chr11:108,235,776, C>G. VCF-style: chr11-108235776-C-G. GRCh37 (hg19) VCF-style: chr11-108106503-C-G.
Other names: c.438C>G, p.Leu146= (NM_001351834.2).
Identifiers: ClinVar variation 758283 (VCV000758283.9), dbSNP rs1591475272, ClinGen allele CA476670399.
Genomic context (GRCh38, chr11:108,235,776, plus strand): 5'-TACAGTGAAAGATTCATCTAATGGTGCTATTTACGGAGCTGATTGTAGCAACATACTACT[C>G]AAAGACATTCTTTCTGTGAGAAAATACTGGTGTGAAATATCTCAGCAACAGTGGTTAGGT-3'
Protein context (NP_000042.3, residues 136-156): IYGADCSNIL[Leu146=]KDILSVRKYW